The following is an entry in ClinVar:

NM_005901.6(SMAD2):c.660G>T (p.Thr220=)

Gene: SMAD2 (SMAD family member 2; minus strand). Cytogenetic location: 18q21.1.
Variant type: single nucleotide variant.
Coding change: c.660G>T on transcript NM_005901.6 (MANE Select); coding-DNA position 660, G replaced by T.
Protein change: p.Thr220=; no amino-acid change (threonine 220 retained).
Molecular consequence: synonymous variant.
Genome position (GRCh38, 1-based): chr18:47,865,129, C>A on the plus strand (G>T on the coding strand, the complement: SMAD2 is on the minus strand). VCF-style: chr18-47865129-C-A. GRCh37 (hg19) VCF-style: chr18-45391500-C-A.
Other names: c.660G>T, p.Thr220= (NM_001003652.4); c.570G>T, p.Thr190= (NM_001135937.3).
Identifiers: ClinVar variation 1210847 (VCV001210847.16), dbSNP rs756278803, ClinGen allele CA503924686.

ClinVar aggregate classification (germline): Likely benign. Review status: criteria provided, multiple submitters, no conflicts (2 of 4 stars). 2 submissions from 2 submitters: Likely benign (2). Last evaluated 2025-01-01.

gnomAD v4.1: 7 of 1,601,360 alleles (0.00044%); highest among the groups gnomAD compares: Non-Finnish European, 0.0006%; no homozygotes.

Submissions (2):

CeGaT Center for Human Genetics Tuebingen
Classification: Likely benign. Last evaluated: 2025-01-01. Review status: criteria provided, single submitter. Criteria: CeGaT Center For Human Genetics Tuebingen Variant Classification Criteria Version 2. Collection method: clinical testing. Allele origin: germline. Affected: yes. Observed: 1 variant allele.
Comment: SMAD2: BP4, BP7

GeneDx
Classification: Likely benign. Last evaluated: 2018-12-05. Review status: criteria provided, single submitter. Criteria: GeneDx Variant Classification Process June 2021. Collection method: clinical testing. Allele origin: germline. Affected: yes.